The following is an entry in ClinVar:

ClinVar aggregate classification (germline): Uncertain significance (1 of 4 stars; one submission).

Submission:

Ambry Genetics
Classification: Uncertain significance. Last evaluated: 2025-01-30. Review status: criteria provided, single submitter. Criteria: Ambry Variant Classification Scheme 2023. Collection method: clinical testing. Allele origin: germline.
Comment: The p.R59S variant (also known as c.177G>T), located in coding exon 1 of the PALLD gene, results from a G to T substitution at nucleotide position 177. The arginine at codon 59 is replaced by serine, an amino acid with dissimilar properties. This amino acid position is conserved. In addition, this alteration is predicted to be tolerated by in silico analysis. Based on the available evidence, the clinical significance of this variant remains unclear.

NM_001166108.2(PALLD):c.1965-12854G>T

Gene: PALLD (palladin, cytoskeletal associated protein; plus strand). Cytogenetic location: 4q32.3.
Variant type: single nucleotide variant.
Coding change: c.1965-12854G>T on transcript NM_001166108.2 (MANE Select); 12854 bases into the intron before coding-DNA position 1965, G replaced by T.
Molecular consequence: intron variant. On other transcripts: missense variant (1).
Genome position (GRCh38, 1-based): chr4:168,878,068, G>T. VCF-style: chr4-168878068-G-T. GRCh37 (hg19) VCF-style: chr4-169799219-G-T.
Other names: c.-157-12854G>T (NM_001367567.1, NM_001367569.1, NM_001367570.1 and 1 more transcripts); c.177G>T, p.Arg59Ser (NM_001166110.2); c.1965-12854G>T (NM_016081.4); c.819-12854G>T (NM_001166109.2); short protein forms R59S.
Identifiers: ClinVar variation 3885262 (VCV003885262.1).